The following is an entry in ClinVar:

ClinVar aggregate classification (germline): Uncertain significance (1 of 4 stars; one submission).

Conditions:
Atrioventricular septal defect 4 (AVSD4). Identifiers: MedGen C3280781, MONDO:0013747, OMIM 614430.

Allele frequency attached by ClinVar (database versions not stated): gnomAD exomes below 0.00001; TOPMed 0.00002; ExAC 0.00001; gnomAD 0.00001.

Submission:

Labcorp Genetics (formerly Invitae), Labcorp
Classification: Uncertain significance for Atrioventricular septal defect 4. Last evaluated: 2025-02-12. Review status: criteria provided, single submitter. Criteria: Invitae Variant Classification Sherloc (09022015). Collection method: clinical testing. Allele origin: germline.
Comment: This sequence change replaces leucine, which is neutral and non-polar, with arginine, which is basic and polar, at codon 370 of the GATA4 protein (p.Leu370Arg). This variant is present in population databases (rs774134071, gnomAD 0.007%). This variant has not been reported in the literature in individuals affected with GATA4-related conditions. ClinVar contains an entry for this variant (Variation ID: 2754493). Invitae Evidence Modeling of protein sequence and biophysical properties (such as structural, functional, and spatial information, amino acid conservation, physicochemical variation, residue mobility, and thermodynamic stability) has been performed for this missense variant. However, the output from this modeling did not meet the statistical confidence thresholds required to predict the impact of this variant on GATA4 protein function. In summary, the available evidence is currently insufficient to determine the role of this variant in disease. Therefore, it has been classified as a Variant of Uncertain Significance.

NM_001308093.3(GATA4):c.1112T>G (p.Leu371Arg)

Gene: GATA4 (GATA binding protein 4). Cytogenetic location: 8p23.1.
Variant type: single nucleotide variant.
Coding change: c.1112T>G on transcript NM_001308093.3 (MANE Select); coding-DNA position 1112, T replaced by G.
Protein change: p.Leu371Arg; replaces leucine 371 with arginine.
Molecular consequence: missense variant.
Genome position (GRCh38, 1-based): chr8:11,757,046, T>G. VCF-style: chr8-11757046-T-G. GRCh37 (hg19) VCF-style: chr8-11614555-T-G.
Other names: c.491T>G, p.Leu164Arg (NM_001308094.2, NM_001374273.1); c.365T>G, p.Leu122Arg (NM_001374274.1); c.1109T>G, p.Leu370Arg (NM_002052.5); short protein forms L122R, L164R, L370R, L371R.
Identifiers: ClinVar variation 2754493 (VCV002754493.3), dbSNP rs774134071, ClinGen allele CA4630833.